The following is an entry in ClinVar:

NM_003283.6(TNNT1):c.409G>A (p.Glu137Lys)

Gene: TNNT1 (troponin T1, slow skeletal type; minus strand). Cytogenetic location: 19q13.42.
Variant type: single nucleotide variant.
Coding change: c.409G>A on transcript NM_003283.6 (MANE Select); coding-DNA position 409, G replaced by A.
Protein change: p.Glu137Lys; replaces glutamic acid 137 with lysine.
Molecular consequence: missense variant.
Genome position (GRCh38, 1-based): chr19:55,138,053, C>T on the plus strand (G>A on the coding strand, the complement: TNNT1 is on the minus strand). VCF-style: chr19-55138053-C-T. GRCh37 (hg19) VCF-style: chr19-55649421-C-T.
Other names: c.409G>A, p.Glu137Lys (NM_001126132.3); c.376G>A, p.Glu126Lys (NM_001126133.3, NM_001291774.2); short protein forms E126K, E137K.
Identifiers: ClinVar variation 1023674 (VCV001023674.9), dbSNP rs1266457771, ClinGen allele CA407433988.

ClinVar aggregate classification (germline): Uncertain significance (1 of 4 stars; one submission).

Conditions:
Nemaline myopathy 5 (NEM5A). Also called: NEMALINE MYOPATHY 5A, AUTOSOMAL RECESSIVE, SEVERE INFANTILE; Nemaline myopathy 5, Amish type; NEMALINE MYOPATHY, AMISH TYPE. Identifiers: Orphanet 98902, MedGen C1854380, MONDO:0011539, OMIM 605355.

Allele frequency attached by ClinVar (database versions not stated): gnomAD exomes 0.00001.

Submission:

Labcorp Genetics (formerly Invitae), Labcorp
Classification: Uncertain significance for Nemaline myopathy 5. Last evaluated: 2020-03-25. Review status: criteria provided, single submitter. Criteria: Invitae Variant Classification Sherloc (09022015). Collection method: clinical testing. Allele origin: germline.
Comment: This variant is not present in population databases (ExAC no frequency). This variant has not been reported in the literature in individuals with TNNT1-related conditions. Algorithms developed to predict the effect of missense changes on protein structure and function are either unavailable or do not agree on the potential impact of this missense change (SIFT: "Tolerated"; PolyPhen-2: "Possibly Damaging"; Align-GVGD: "Class C0"). In summary, the available evidence is currently insufficient to determine the role of this variant in disease. Therefore, it has been classified as a Variant of Uncertain Significance. This sequence change replaces glutamic acid with lysine at codon 137 of the TNNT1 protein (p.Glu137Lys). The glutamic acid residue is highly conserved and there is a small physicochemical difference between glutamic acid and lysine.